The following is an entry in ClinVar:

NM_002658.6(PLAU):c.1053C>T (p.Tyr351=)

Genes: C10orf55 (chromosome 10 putative open reading frame 55; minus strand), PLAU (plasminogen activator, urokinase; plus strand). Cytogenetic location: 10q22.2.
Variant type: single nucleotide variant.
Coding change: c.1053C>T on transcript NM_002658.6 (MANE Select); coding-DNA position 1053, C replaced by T.
Protein change: p.Tyr351=; no amino-acid change (tyrosine 351 retained).
Molecular consequence: synonymous variant.
Genome position (GRCh38, 1-based): chr10:73,915,333, C>T. VCF-style: chr10-73915333-C-T. GRCh37 (hg19) VCF-style: chr10-75675091-C-T.
Other names: c.1002C>T, p.Tyr334= (NM_001145031.3); c.795C>T, p.Tyr265= (NM_001319191.2).
Identifiers: ClinVar variation 300759 (VCV000300759.5), dbSNP rs558920700, ClinGen allele CA5562609.
Genomic context (GRCh38, chr10:73,915,333, plus strand): 5'-GCTGAAAATGACTGTTGTGAAGCTGATTTCCCACCGGGAGTGTCAGCAGCCCCACTACTA[C>T]GGCTCTGAAGTCACCACCAAAATGCTGTGTGCTGCTGACCCACAGTGGAAAACAGATTCC-3'
Protein context (NP_002649.2, residues 341-361): SHRECQQPHY[Tyr351=]GSEVTTKMLC

ClinVar aggregate classification (germline): Benign (1 of 4 stars; one submission).

Conditions:
Quebec platelet disorder (QPD). Also called: FACTOR V QUEBEC; BLEEDING DISORDER, PLATELET-TYPE, 5. Identifiers: Orphanet 220436, MedGen C1866423, MONDO:0011136, OMIM 601709.

Allele frequency attached by ClinVar (database versions not stated): 1000 Genomes Project 30x 0.00031; gnomAD exomes 0.00005 and 0.00004; gnomAD 0.00003; ExAC 0.00005; TOPMed 0.00005; 1000 Genomes Project 0.00020.
gnomAD v4.1: 59 of 1,613,910 alleles (0.0037%); highest among the groups gnomAD compares: South Asian, 0.0077%; no homozygotes.

Submission:

Illumina Laboratory Services, Illumina
Classification: Benign for Quebec platelet disorder. Last evaluated: 2018-01-12. Review status: criteria provided, single submitter. Criteria: ICSL Variant Classification Criteria 13 December 2019. Collection method: clinical testing. Allele origin: germline.
Comment: This variant was observed in the ICSL laboratory as part of a predisposition screen in an ostensibly healthy population. It had not been previously curated by ICSL or reported in the Human Gene Mutation Database (HGMD: prior to June 1st, 2018), and was therefore a candidate for classification through an automated scoring system. Utilizing variant allele frequency, disease prevalence and penetrance estimates, and inheritance mode, an automated score was calculated to assess if this variant is too frequent to cause the disease. Based on the score and internal cut-off values, a variant classified as benign is not then subjected to further curation. The score for this variant resulted in a classification of benign for this disease.